The following is an entry in ClinVar:

NM_001276270.2(MBD4):c.1019A>G (p.Lys340Arg)

Gene: MBD4 (methyl-CpG binding domain 4, DNA glycosylase; minus strand). Cytogenetic location: 3q21.3.
Variant type: single nucleotide variant.
Coding change: c.1019A>G on transcript NM_001276270.2 (MANE Select); coding-DNA position 1019, A replaced by G.
Protein change: p.Lys340Arg; replaces lysine 340 with arginine.
Molecular consequence: missense variant. On other transcripts: intron variant (1).
Genome position (GRCh38, 1-based): chr3:129,436,625, T>C on the plus strand (A>G on the coding strand, the complement: MBD4 is on the minus strand). VCF-style: chr3-129436625-T-C. GRCh37 (hg19) VCF-style: chr3-129155468-T-C.
Other names: c.1019A>G (NM_003925.2); c.1019A>G, p.Lys340Arg (NM_001276271.2, NM_001276272.2, NM_003925.3); c.247+1183A>G (NM_001276273.2); short protein forms K340R.
Identifiers: ClinVar variation 2907676 (VCV002907676.5), dbSNP rs372593697, ClinGen allele CA2605431.

ClinVar aggregate classification (germline): Conflicting classifications of pathogenicity. Review status: criteria provided, conflicting classifications (1 of 4 stars). 3 submissions from 3 submitters: Uncertain significance (2); Likely benign (1). Last evaluated 2026-02-13.

Conditions:
MBD4-related disorder. Also called: MBD4-related condition.
Inborn genetic diseases. Identifiers: MedGen C0950123, MeSH D030342.

Allele frequency attached by ClinVar (database versions not stated): gnomAD 0.00016; gnomAD exomes 0.00001; ExAC 0.00002; TOPMed 0.00012; ESP Exome Variant Server 0.00015.
gnomAD v4.1: 36 of 1,614,092 alleles (0.0022%); highest among the groups gnomAD compares: African/African-American, 0.04%; no homozygotes.

Submissions (3):

PreventionGenetics, part of Exact Sciences
Classification: Uncertain significance for MBD4-related condition. Last evaluated: 2026-02-13. Review status: criteria provided, single submitter. Criteria: ACMG Guidelines, 2015. Collection method: clinical testing. Allele origin: germline.
Comment: The MBD4 c.1019A>G variant is predicted to result in the amino acid substitution p.Lys340Arg. To our knowledge, this variant has not been reported in the literature. This variant is reported in 0.052% of alleles in individuals of African descent in gnomAD. This variant has conflicting interpretations in ClinVar ranging from uncertain to likely benign (Variation ID: 2907676). At this time, the clinical significance of this variant is uncertain due to the absence of conclusive functional and genetic evidence.

Ambry Genetics
Classification: Likely benign for Inborn genetic diseases. Last evaluated: 2025-02-18. Review status: criteria provided, single submitter. Criteria: Ambry Variant Classification Scheme 2023. Collection method: clinical testing. Allele origin: germline.

Labcorp Genetics (formerly Invitae), Labcorp
Classification: Uncertain significance. Last evaluated: 2025-01-23. Review status: criteria provided, single submitter. Criteria: Invitae Variant Classification Sherloc (09022015). Collection method: clinical testing. Allele origin: germline.
Comment: This sequence change replaces lysine, which is basic and polar, with arginine, which is basic and polar, at codon 340 of the MBD4 protein (p.Lys340Arg). This variant is present in population databases (rs372593697, gnomAD 0.05%). This variant has not been reported in the literature in individuals affected with MBD4-related conditions. ClinVar contains an entry for this variant (Variation ID: 2907676). An algorithm developed to predict the effect of missense changes on protein structure and function outputs the following: PolyPhen-2: "Benign". The arginine amino acid residue is found in multiple mammalian species, which suggests that this missense change does not adversely affect protein function. In summary, the available evidence is currently insufficient to determine the role of this variant in disease. Therefore, it has been classified as a Variant of Uncertain Significance.